The following is an entry in ClinVar:

ClinVar aggregate classification (germline): Benign (1 of 4 stars; one submission).

Allele frequency attached by ClinVar (database versions not stated): gnomAD 0.15641 and 0.16065; TOPMed 0.16995; 1000 Genomes Project 30x 0.23407; 1000 Genomes Project 0.23682.
gnomAD v4.1: 24,719 of 152,014 alleles (16%); highest among the groups gnomAD compares: East Asian, 43%; 2,307 homozygotes.

Submission:

GeneDx
Classification: Benign. Last evaluated: 2018-06-14. Review status: criteria provided, single submitter. Criteria: GeneDx Variant Classification (06012015). Collection method: clinical testing. Allele origin: germline. Affected: yes.
Comment: This variant is considered likely benign or benign based on one or more of the following criteria: it is a conservative change, it occurs at a poorly conserved position in the protein, it is predicted to be benign by multiple in silico algorithms, and/or has population frequency not consistent with disease.

NM_001267550.2(TTN):c.27886+270G>A

Gene: TTN (titin; minus strand). Cytogenetic location: 2q31.2.
Variant type: single nucleotide variant.
Coding change: c.27886+270G>A on transcript NM_001267550.2 (MANE Select); 270 bases into the intron after coding-DNA position 27886, G replaced by A.
Molecular consequence: intron variant.
Genome position (GRCh38, 1-based): chr2:178,711,674, C>T on the plus strand (G>A on the coding strand, the complement: TTN is on the minus strand). VCF-style: chr2-178711674-C-T. GRCh37 (hg19) VCF-style: chr2-179576401-C-T.
Other names: c.13282+26408G>A (NM_003319.4); c.13858+26408G>A (NM_133437.4); c.13657+26408G>A (NM_133432.3); c.24154+270G>A (NM_133378.4); c.26935+270G>A (NM_001256850.1).
Identifiers: ClinVar variation 680847 (VCV000680847.1), dbSNP rs12997957, ClinGen allele CA15224552.
Genomic context (GRCh38, chr2:178,711,674, plus strand): 5'-CAAGCAGCAGATTCCTGTAATTTTAAAGACTGCCTTCTAGCAATTTGCATGAGATACTTA[C>T]GGGGTGGAATTTAAAAATATATGGTCACTTTTTAAAAAAGATTTAATTATAGAAGCAAAT-3'